The following is an entry in ClinVar:

NM_080425.4(GNAS):c.2069-4976C>G

Gene: GNAS (GNAS complex locus; plus strand). Cytogenetic location: 20q13.32.
Variant type: single nucleotide variant.
Coding change: c.2069-4976C>G on transcript NM_080425.4 (MANE Plus Clinical); 4976 bases into the intron before coding-DNA position 2069, C replaced by G.
Molecular consequence: intron variant.
Genome position (GRCh38, 1-based): chr20:58,890,636, C>G. VCF-style: chr20-58890636-C-G. GRCh37 (hg19) VCF-style: chr20-57465691-C-G.
Other names: c.*43-4976C>G (NM_016592.5); c.44-4976C>G (NM_001410912.1); c.-38-4976C>G (NM_001309861.2); c.*1-4976C>G (NM_001077490.3); c.2069-4976C>G (NM_001410913.1); c.*159-4976C>G (NM_001309883.1); c.-39+1283C>G (NM_001438273.1, NM_001309840.2); c.-39+1304C>G (NM_001439291.1, NM_001438274.1).
Identifiers: ClinVar variation 4534933 (VCV004534933.6).
Genomic context (GRCh38, chr20:58,890,636, plus strand): 5'-GTTCGGGGCGACCTGCTGCTTCCGAGTGTTCCTGGGCTGCGCCTTCTTCTCCTACTTGGG[C>G]GGCCGCGCCAAGCGCAGAGGCCGCGGGCGCTCCGGGGCCAGAGGCGCCTTCGGCTCGGGC-3'

ClinVar aggregate classification (germline): Likely benign (1 of 4 stars; one submission).

Submission:

CeGaT Center for Human Genetics Tuebingen
Classification: Likely benign. Last evaluated: 2025-10-01. Review status: criteria provided, single submitter. Criteria: CeGaT Center For Human Genetics Tuebingen Variant Classification Criteria Version 2. Collection method: clinical testing. Allele origin: germline. Affected: yes. Observed: 1 variant allele.
Comment: GNAS: PM2:Supporting, BP4, BP7